The following is an entry in ClinVar:

NM_000180.4(GUCY2D):c.860C>T (p.Pro287Leu)

Gene: GUCY2D (guanylate cyclase 2D, retinal; plus strand). Cytogenetic location: 17p13.1.
Variant type: single nucleotide variant.
Coding change: c.860C>T on transcript NM_000180.4 (MANE Select); coding-DNA position 860, C replaced by T.
Protein change: p.Pro287Leu; replaces proline 287 with leucine.
Molecular consequence: missense variant.
Genome position (GRCh38, 1-based): chr17:8,003,990, C>T. VCF-style: chr17-8003990-C-T. GRCh37 (hg19) VCF-style: chr17-7907308-C-T.
Other names: short protein forms P287L.
Identifiers: ClinVar variation 3753441 (VCV003753441.3).
Genomic context (GRCh38, chr17:8,003,990, plus strand): 5'-GCCTGACCGATGGCTCCCTGGTCTTCCTGCCCTTCGACACGATCCACTACGCCTTGTCCC[C>T]AGGCCCGGAGGCCTTGGCCGCACTCGCCAACAGCTCCCAGCTTCGCAGGGCCCACGATGC-3'
Protein context (NP_000171.1, residues 277-297): PFDTIHYALS[Pro287Leu]GPEALAALAN

ClinVar aggregate classification (germline): Uncertain significance. Review status: criteria provided, multiple submitters, no conflicts (2 of 4 stars). 2 submissions from 2 submitters: Uncertain significance (2). Last evaluated 2025-04-10.

Conditions:
Cone-rod dystrophy 6 (CORD6). Also called: RETINAL CONE DYSTROPHY 2; Cone dystrophy progressive. Identifiers: Orphanet 1872, MedGen C1866293, MONDO:0011143, OMIM 601777.
Leber congenital amaurosis 1 (LCA1). Also called: AMAUROSIS CONGENITA OF LEBER I; Congenital absence of the rods and cones; Leber's congenital tapetoretinal degeneration; Leber's congenital tapetoretinal dysplasia; RETINAL BLINDNESS, CONGENITAL. Identifiers: Orphanet 65, MedGen C2931258, MONDO:0008764, OMIM 204000.

gnomAD v4.1: 4 of 1,613,582 alleles (0.00025%); highest among the groups gnomAD compares: Non-Finnish European, 0.00025%; no homozygotes.

Submissions (2):

Labcorp Genetics (formerly Invitae), Labcorp
Classification: Uncertain significance for Leber congenital amaurosis 1; Cone-rod dystrophy 6. Last evaluated: 2025-04-10. Review status: criteria provided, single submitter. Criteria: Invitae Variant Classification Sherloc (09022015). Collection method: clinical testing. Allele origin: germline.
Comment: This sequence change replaces proline, which is neutral and non-polar, with leucine, which is neutral and non-polar, at codon 287 of the GUCY2D protein (p.Pro287Leu). This variant is not present in population databases (gnomAD no frequency). This variant has not been reported in the literature in individuals affected with GUCY2D-related conditions. ClinVar contains an entry for this variant (Variation ID: 3753441). Invitae Evidence Modeling of protein sequence and biophysical properties (such as structural, functional, and spatial information, amino acid conservation, physicochemical variation, residue mobility, and thermodynamic stability) indicates that this missense variant is not expected to disrupt GUCY2D protein function with a negative predictive value of 80%. In summary, the available evidence is currently insufficient to determine the role of this variant in disease. Therefore, it has been classified as a Variant of Uncertain Significance.

Blueprint Genetics
Classification: Uncertain significance. Last evaluated: 2023-06-09. Review status: criteria provided, single submitter. Criteria: ACMG Guidelines, 2015. Collection method: clinical testing. Allele origin: germline.